The following is an entry in ClinVar:

ClinVar aggregate classification (germline): Pathogenic. Review status: criteria provided, single submitter (1 of 4 stars). 2 submissions from 2 submitters: Pathogenic (1). 1 of the submissions does not count toward it. Last evaluated 2023-10-22.

Conditions:
Pyknodysostosis. Also called: Pycnodysostosis. Identifiers: Orphanet 763, MedGen C0238402, MONDO:0009940, OMIM 265800.

Submissions (2):

Labcorp Genetics (formerly Invitae), Labcorp
Classification: Pathogenic. Last evaluated: 2023-10-22. Review status: criteria provided, single submitter. Criteria: Invitae Variant Classification Sherloc (09022015). Collection method: clinical testing. Allele origin: germline.
Comment: This sequence change creates a premature translational stop signal (p.Trp50*) in the CTSK gene. It is expected to result in an absent or disrupted protein product. Loss-of-function variants in CTSK are known to be pathogenic (PMID: 12125807, 21569238). This variant is not present in population databases (gnomAD no frequency). This variant has not been reported in the literature in individuals affected with CTSK-related conditions. Algorithms developed to predict the effect of sequence changes on RNA splicing suggest that this variant may disrupt the consensus splice site. For these reasons, this variant has been classified as Pathogenic.

Laboratory of Medical and Molecular Genetics, The National Medical Research Center for Endocrinology
Classification: Likely pathogenic for Pyknodysostosis. Last evaluated: 2024-01-19. Review status: no assertion criteria provided. Collection method: clinical testing. Allele origin: unknown. Inheritance: Autosomal recessive inheritance. Observed: 1 homozygote. Not counted in ClinVar's aggregate classification.
Comment: The c.150G>A (exon 3 of 8) variant in the cathepsin K gene, CTSK, results in a premature termination at codon 50 p.(Trp50Ter) of NM_000396.4. The loss of function in a gene CTSK is an established disease mechanism (PVS1; PMID: 8938428). This variant is absent in gnomAD v2.1.1, v3.1.2, v4.0.0 (PM2_Supporting). ACMG/AMP criteria applied: PVS1, PM2_Supporting.

Literature cited by the submitters: PubMed 12125807 (cited by Labcorp Genetics (formerly Invitae), Labcorp); PubMed 21569238 (cited by Labcorp Genetics (formerly Invitae), Labcorp).

NM_000396.4(CTSK):c.150G>A (p.Trp50Ter)

Gene: CTSK (cathepsin K; minus strand). Cytogenetic location: 1q21.3.
Variant type: single nucleotide variant.
Coding change: c.150G>A on transcript NM_000396.4 (MANE Select); coding-DNA position 150, G replaced by A.
Protein change: p.Trp50Ter; replaces tryptophan 50 with a stop codon.
Molecular consequence: nonsense.
Genome position (GRCh38, 1-based): chr1:150,806,195, C>T on the plus strand (G>A on the coding strand, the complement: CTSK is on the minus strand). VCF-style: chr1-150806195-C-T. GRCh37 (hg19) VCF-style: chr1-150778671-C-T.
Other names: short protein forms W50*.
Identifiers: ClinVar variation 2687837 (VCV002687837.5), dbSNP rs2525178794, ClinGen allele CA342337382.
Genomic context (GRCh38, chr1:150,806,195, plus strand): 5'-TGTATGGACACCAAGAGAAGCCTCAAGGTTATGGATGGAAATATACTTCAGGTTTTTTTC[C>T]CAAATTAAACGCCGAGAGATTTCATCCACCTAAACAAAGCATAGTCAGTACTTGTATAGA-3'